The following is an entry in ClinVar:

NM_001374736.1(DST):c.14957A>C (p.Gln4986Pro)

Gene: DST (dystonin; minus strand). Cytogenetic location: 6p12.1.
Variant type: single nucleotide variant.
Coding change: c.14957A>C on transcript NM_001374736.1 (MANE Select); coding-DNA position 14957, A replaced by C.
Protein change: p.Gln4986Pro; replaces glutamine 4986 with proline.
Molecular consequence: missense variant.
Genome position (GRCh38, 1-based): chr6:56,555,524, T>G on the plus strand (A>C on the coding strand, the complement: DST is on the minus strand). VCF-style: chr6-56555524-T-G. GRCh37 (hg19) VCF-style: chr6-56420322-T-G.
Other names: c.8600A>C, p.Gln2867Pro (NM_001144769.5); c.8186A>C, p.Gln2729Pro (NM_001144770.2); c.14957A>C, p.Gln4986Pro (NM_001374722.1); c.14324A>C, p.Gln4775Pro (NM_001374729.1); c.8066A>C, p.Gln2689Pro (NM_001374730.1, NM_001386100.1, NM_183380.4); c.14984A>C, p.Gln4995Pro (NM_001374734.1); c.7088A>C, p.Gln2363Pro (NM_015548.5); short protein forms Q2363P, Q2867P, Q4986P, Q2689P, Q2729P, Q4775P, Q4995P.
Identifiers: ClinVar variation 1925003 (VCV001925003.5), dbSNP rs2535388746, ClinGen allele CA364518834.
Genomic context (GRCh38, chr6:56,555,524, plus strand): 5'-ACTTTTATCTGCTTCTTTTCCTGCTGTATCTCCTGCTTCATTTTTTGGGCTGTTTCCAAC[T>G]GTTGGTTCATAGCATCAGGGTGCGTGCTCACAGCCAGACTGCTGCTGAGTTTATTATCCA-3'
Protein context (NP_001361665.1, residues 4976-4996): VSTHPDAMNQ[Gln4986Pro]LETAQKMKQE

ClinVar aggregate classification (germline): Uncertain significance (1 of 4 stars; one submission).

Conditions:
Epidermolysis bullosa simplex 3, localized or generalized intermediate, with BP230 deficiency (EBS3). Also called: Epidermolysis bullosa simplex due to BP230 deficiency; Epidermolysis bullosa simplex, autosomal recessive 2. Identifiers: Orphanet 412181, MedGen C3809470, MONDO:0014180, OMIM 615425.
Hereditary sensory and autonomic neuropathy type 6. Also called: Neuropathy, hereditary sensory and autonomic, type VI; HSAN VI. Identifiers: Orphanet 314381, MedGen C3539003, MONDO:0013839, OMIM 614653.

Allele frequency attached by ClinVar (database versions not stated): gnomAD exomes below 0.00001.
gnomAD v4.1: 1 of 1,614,026 alleles (0.000062%); highest among the groups gnomAD compares: Non-Finnish European, 0.000085%; no homozygotes.

Submission:

Labcorp Genetics (formerly Invitae), Labcorp
Classification: Uncertain significance for Epidermolysis bullosa simplex 3, localized or generalized intermediate, with BP230 deficiency; Hereditary sensory and autonomic neuropathy type 6. Last evaluated: 2022-04-13. Review status: criteria provided, single submitter. Criteria: Invitae Variant Classification Sherloc (09022015). Collection method: clinical testing. Allele origin: germline.
Comment: In summary, the available evidence is currently insufficient to determine the role of this variant in disease. Therefore, it has been classified as a Variant of Uncertain Significance. Experimental studies and prediction algorithms are not available or were not evaluated, and the functional significance of this variant is currently unknown. This variant has not been reported in the literature in individuals affected with DST-related conditions. This variant is not present in population databases (gnomAD no frequency). This sequence change replaces glutamine, which is neutral and polar, with proline, which is neutral and non-polar, at codon 2363 of the DST protein (p.Gln2363Pro). The DST gene has multiple clinically relevant transcripts. This variant occurs in alternate transcript NM_015548.4, and corresponds to NM_001723.5:c.*59993A>C in the primary transcript.